The following is an entry in ClinVar:

NM_153460.4(IL17RC):c.1803G>A (p.Gly601=)

Gene: IL17RC (interleukin 17 receptor C; plus strand). Cytogenetic location: 3p25.3.
Variant type: single nucleotide variant.
Coding change: c.1803G>A on transcript NM_153460.4 (MANE Select); coding-DNA position 1803, G replaced by A.
Protein change: p.Gly601=; no amino-acid change (glycine 601 retained).
Molecular consequence: synonymous variant. On other transcripts: non-coding transcript variant (1).
Genome position (GRCh38, 1-based): chr3:9,933,233, G>A. VCF-style: chr3-9933233-G-A. GRCh37 (hg19) VCF-style: chr3-9974917-G-A.
Other names: c.1764G>A, p.Gly588= (NM_001203263.2); c.1713G>A, p.Gly571= (NM_001203264.2); c.1707G>A, p.Gly569= (NM_001203265.2); c.1725G>A, p.Gly575= (NM_001367278.1); c.1644G>A, p.Gly548= (NM_001367279.1); c.1719G>A, p.Gly573= (NM_001367280.1); c.1758G>A, p.Gly586= (NM_032732.6); c.2016G>A, p.Gly672= (NM_153461.4).
Identifiers: ClinVar variation 1675902 (VCV001675902.33), dbSNP rs2125318610, ClinGen allele CA432532985.

ClinVar aggregate classification (germline): Likely benign (1 of 4 stars; one submission).

Submission:

CeGaT Center for Human Genetics Tuebingen
Classification: Likely benign. Last evaluated: 2022-03-01. Review status: criteria provided, single submitter. Criteria: CeGaT Center For Human Genetics Tuebingen Variant Classification Criteria Version 2. Collection method: clinical testing. Allele origin: germline. Affected: yes. Observed: 1 variant allele.
Comment: IL17RC: BP4, BP7